The following is an entry in ClinVar:

NM_002838.5(PTPRC):c.2132G>A (p.Ser711Asn)

Gene: PTPRC (protein tyrosine phosphatase receptor type C; plus strand). Cytogenetic location: 1q32.1.
Variant type: single nucleotide variant.
Coding change: c.2132G>A on transcript NM_002838.5 (MANE Select); coding-DNA position 2132, G replaced by A.
Protein change: p.Ser711Asn; replaces serine 711 with asparagine.
Molecular consequence: missense variant.
Genome position (GRCh38, 1-based): chr1:198,732,546, G>A. VCF-style: chr1-198732546-G-A. GRCh37 (hg19) VCF-style: chr1-198701675-G-A.
Other names: c.1649G>A, p.Ser550Asn (NM_080921.4); short protein forms S711N, S550N.
Identifiers: ClinVar variation 1350392 (VCV001350392.5), dbSNP rs766053951, ClinGen allele CA1315001.
Genomic context (GRCh38, chr1:198,732,546, plus strand): 5'-ATAACCGTGTTGAACTCTCTGAGATAAACGGAGATGCAGGGTCAAACTACATAAATGCCA[G>A]CTATATTGATGTGAGTAAAAATTTGCATTTTTCTTATACCTACATATTTCATTCAGCTCC-3'
Protein context (NP_002829.3, residues 701-721): GDAGSNYINA[Ser711Asn]YIDGFKEPRK

ClinVar aggregate classification (germline): Uncertain significance (1 of 4 stars; one submission).

Conditions:
Immunodeficiency 104. Also called: Severe combined immunodeficiency, autosomal recessive, T cell-negative, B cell-positive, NK cell-positive; SCID, AUTOSOMAL RECESSIVE, T CELL-NEGATIVE, B CELL-POSITIVE, NK CELL-POSITIVE; IMMUNODEFICIENCY 104, SEVERE COMBINED; Severe Combined Immune Deficiency, Autosomal Recessive, TCell -Negative, B Cell-Positive, NK Cell-Positive, IL7R-Related. Identifiers: MedGen C5676890, MONDO:0012163, OMIM 608971.

Allele frequency attached by ClinVar (database versions not stated): gnomAD exomes 0.00001; ExAC 0.00002; gnomAD 0.00002; TOPMed 0.00002.
gnomAD v4.1: 12 of 1,607,692 alleles (0.00075%); highest among the groups gnomAD compares: African/African-American, 0.0067%; no homozygotes.

Submission:

Labcorp Genetics (formerly Invitae), Labcorp
Classification: Uncertain significance for Immunodeficiency 104. Last evaluated: 2022-03-04. Review status: criteria provided, single submitter. Criteria: Invitae Variant Classification Sherloc (09022015). Collection method: clinical testing. Allele origin: germline.
Comment: This sequence change replaces serine, which is neutral and polar, with asparagine, which is neutral and polar, at codon 711 of the PTPRC protein (p.Ser711Asn). This variant is present in population databases (rs766053951, gnomAD 0.01%). This variant has not been reported in the literature in individuals affected with PTPRC-related conditions. Algorithms developed to predict the effect of missense changes on protein structure and function are either unavailable or do not agree on the potential impact of this missense change (SIFT: "Deleterious"; PolyPhen-2: "Probably Damaging"; Align-GVGD: "Class C0"). In summary, the available evidence is currently insufficient to determine the role of this variant in disease. Therefore, it has been classified as a Variant of Uncertain Significance.